The following is an entry in ClinVar:

GRCh38/hg38 2q24.3(chr2:165542962-166152073)x3

Genes: CSRNP3 (cysteine and serine rich nuclear protein 3; plus strand), GALNT3 (polypeptide N-acetylgalactosaminyltransferase 3; minus strand), SCN1A (sodium voltage-gated channel alpha subunit 1; minus strand), SCN1A-AS1 (SCN1A and SCN9A antisense RNA 1; plus strand), TTC21B (tetratricopeptide repeat domain 21B; minus strand) and 8 more. Cytogenetic location: 2q24.3.
Variant type: copy number gain.
Change: copy number 3 (three copies instead of two) of chr2:165,542,962-166,152,073 (609.1 kb, GRCh38 coordinates, 1-based), cytogenetic band 2q24.3.
Identifiers: ClinVar variation 58906 (VCV000058906.2).

ClinVar aggregate classification (germline): Uncertain significance (1 of 4 stars; one submission).

Submission:

ISCA Site 6
Classification: Uncertain significance. Last evaluated: 2011-08-12. Review status: criteria provided, single submitter. Criteria: Kaminsky et al. (Genet Med. 2011). Collection method: clinical testing. Allele origin: unknown. Affected: yes. Observed: 1 variant allele.
Comment: Copy number variation identified through the course of routine clinical cytogenomic testing in postnatal populations. Clinical assertions have been curated as described in Kaminsky et al. 2011.